The following is an entry in ClinVar:

NM_173598.6(KSR2):c.821C>T (p.Pro274Leu)

Gene: KSR2 (kinase suppressor of ras 2; minus strand). Cytogenetic location: 12q24.23.
Variant type: single nucleotide variant.
Coding change: c.821C>T on transcript NM_173598.6 (MANE Select); coding-DNA position 821, C replaced by T.
Protein change: p.Pro274Leu; replaces proline 274 with leucine.
Molecular consequence: missense variant.
Genome position (GRCh38, 1-based): chr12:117,761,176, G>A on the plus strand (C>T on the coding strand, the complement: KSR2 is on the minus strand). VCF-style: chr12-117761176-G-A. GRCh37 (hg19) VCF-style: chr12-118198981-G-A.
Other names: short protein forms P274L.
Identifiers: ClinVar variation 4750240 (VCV004750240.1).

ClinVar aggregate classification (germline): Uncertain significance (1 of 4 stars; one submission).

gnomAD v4.1: 1 of 1,601,540 alleles (0.000062%); highest among the groups gnomAD compares: Non-Finnish European, 0.000085%; no homozygotes.

Submission:

Labcorp Genetics (formerly Invitae), Labcorp
Classification: Uncertain significance. Last evaluated: 2025-05-06. Review status: criteria provided, single submitter. Criteria: Invitae Variant Classification Sherloc (09022015). Collection method: clinical testing. Allele origin: germline.
Comment: This sequence change replaces proline, which is neutral and non-polar, with leucine, which is neutral and non-polar, at codon 245 of the KSR2 protein (p.Pro245Leu). This variant is present in population databases (rs753606177, gnomAD 0.006%). This variant has not been reported in the literature in individuals affected with KSR2-related conditions. An algorithm developed to predict the effect of missense changes on protein structure and function (PolyPhen-2) suggests that this variant is likely to be tolerated. In summary, the available evidence is currently insufficient to determine the role of this variant in disease. Therefore, it has been classified as a Variant of Uncertain Significance.